The following is an entry in ClinVar:

ClinVar aggregate classification (germline): Uncertain significance (1 of 4 stars; one submission).

Conditions:
Encephalopathy, acute, infection-induced (herpes-specific), susceptibility to, 1. Also called: Herpes simplex encephalitis, susceptibility to, 1. Identifiers: Orphanet 1930, MedGen C2750180, MONDO:0024563, OMIM 610551.

Submission:

Labcorp Genetics (formerly Invitae), Labcorp
Classification: Uncertain significance for Encephalopathy, acute, infection-induced (herpes-specific), susceptibility to, 1. Last evaluated: 2025-12-03. Review status: criteria provided, single submitter. Criteria: Invitae Variant Classification Sherloc (09022015). Collection method: clinical testing. Allele origin: germline.
Comment: This sequence change replaces serine, which is neutral and polar, with leucine, which is neutral and non-polar, at codon 160 of the TLR3 protein (p.Ser160Leu). The frequency data for this variant in the population databases is considered unreliable, as metrics indicate poor data quality at this position in the gnomAD database. This variant has not been reported in the literature in individuals affected with TLR3-related conditions. An algorithm developed to predict the effect of missense changes on protein structure and function (PolyPhen-2) suggests that this variant is likely to be tolerated. In summary, the available evidence is currently insufficient to determine the role of this variant in disease. Therefore, it has been classified as a Variant of Uncertain Significance.

NM_003265.3(TLR3):c.479C>T (p.Ser160Leu)

Gene: TLR3 (toll like receptor 3; plus strand). Cytogenetic location: 4q35.1.
Variant type: single nucleotide variant.
Coding change: c.479C>T on transcript NM_003265.3 (MANE Select); coding-DNA position 479, C replaced by T.
Protein change: p.Ser160Leu; replaces serine 160 with leucine.
Molecular consequence: missense variant.
Genome position (GRCh38, 1-based): chr4:186,078,877, C>T. VCF-style: chr4-186078877-C-T. GRCh37 (hg19) VCF-style: chr4-187000031-C-T.
Other names: short protein forms S160L.
Identifiers: ClinVar variation 4731879 (VCV004731879.1).